The following is an entry in ClinVar:

NM_013266.4(CTNNA3):c.1651G>A (p.Val551Ile)

Gene: CTNNA3 (catenin alpha 3; minus strand). Cytogenetic location: 10q21.3.
Variant type: single nucleotide variant.
Coding change: c.1651G>A on transcript NM_013266.4 (MANE Select); coding-DNA position 1651, G replaced by A.
Protein change: p.Val551Ile; replaces valine 551 with isoleucine.
Molecular consequence: missense variant.
Genome position (GRCh38, 1-based): chr10:66,379,233, C>T on the plus strand (G>A on the coding strand, the complement: CTNNA3 is on the minus strand). VCF-style: chr10-66379233-C-T. GRCh37 (hg19) VCF-style: chr10-68138991-C-T.
Other names: c.1651G>A, p.Val551Ile (NM_001127384.3); short protein forms V551I.
Identifiers: ClinVar variation 940631 (VCV000940631.10), dbSNP rs750835711, ClinGen allele CA5519869.
Genomic context (GRCh38, chr10:66,379,233, plus strand): 5'-CATTTCTCATTACACCTTCCGTGTAAGCCCCTGGCTCGTAACTGTCCATTTCACCCGTGA[C>T]GATGTGAGCAACTCTTGCTGCCCGGCCTCTGATAGCACCCGCAGCACGGTCTAAATTATC-3'
Protein context (NP_037398.2, residues 541-561): RGRAARVAHI[Val551Ile]TGEMDSYEPG

ClinVar aggregate classification (germline): Uncertain significance. Review status: criteria provided, multiple submitters, no conflicts (2 of 4 stars). 2 submissions from 2 submitters: Uncertain significance (2). Last evaluated 2025-06-29.

Conditions:
Arrhythmogenic right ventricular dysplasia 13. Also called: Arrhythmogenic right ventricular dysplasia, familial, 13; ARRHYTHMOGENIC RIGHT VENTRICULAR CARDIOMYOPATHY 13. Identifiers: MedGen C3810138, MONDO:0000908, OMIM 615616.

Allele frequency attached by ClinVar (database versions not stated): gnomAD exomes 0.00004 and 0.00005; gnomAD 0.00006; TOPMed 0.00006; ExAC 0.00007.
gnomAD v4.1: 87 of 1,614,026 alleles (0.0054%); highest among the groups gnomAD compares: Middle Eastern, 0.016%; no homozygotes.

Submissions (2):

Labcorp Genetics (formerly Invitae), Labcorp
Classification: Uncertain significance for Arrhythmogenic right ventricular dysplasia 13. Last evaluated: 2025-06-29. Review status: criteria provided, single submitter. Criteria: Invitae Variant Classification Sherloc (09022015). Collection method: clinical testing. Allele origin: germline.
Comment: This sequence change replaces valine, which is neutral and non-polar, with isoleucine, which is neutral and non-polar, at codon 551 of the CTNNA3 protein (p.Val551Ile). This variant is present in population databases (rs750835711, gnomAD 0.006%). This variant has not been reported in the literature in individuals affected with CTNNA3-related conditions. ClinVar contains an entry for this variant (Variation ID: 940631). Invitae Evidence Modeling of protein sequence and biophysical properties (such as structural, functional, and spatial information, amino acid conservation, physicochemical variation, residue mobility, and thermodynamic stability) indicates that this missense variant is not expected to disrupt CTNNA3 protein function with a negative predictive value of 80%. In summary, the available evidence is currently insufficient to determine the role of this variant in disease. Therefore, it has been classified as a Variant of Uncertain Significance.

Fulgent Genetics
Classification: Uncertain significance for Arrhythmogenic right ventricular dysplasia 13. Last evaluated: 2024-01-23. Review status: criteria provided, single submitter. Criteria: ACMG Guidelines, 2015. Collection method: clinical testing. Allele origin: germline.